The following is an entry in ClinVar:

NM_016239.4(MYO15A):c.8050T>C (p.Tyr2684His)

Gene: MYO15A (myosin XVA; plus strand). Cytogenetic location: 17p11.2.
Variant type: single nucleotide variant.
Coding change: c.8050T>C on transcript NM_016239.4 (MANE Select); coding-DNA position 8050, T replaced by C.
Protein change: p.Tyr2684His; replaces tyrosine 2684 with histidine.
Molecular consequence: missense variant.
Genome position (GRCh38, 1-based): chr17:18,153,858, T>C. VCF-style: chr17-18153858-T-C. GRCh37 (hg19) VCF-style: chr17-18057172-T-C.
Other names: short protein forms Y2684H.
Identifiers: ClinVar variation 322166 (VCV000322166.27), dbSNP rs376351191, ClinGen allele CA8425002.
Genomic context (GRCh38, chr17:18,153,858, plus strand): 5'-CCCCCTGAGGAACTCACGCAGACGCGGCTGCACCGCCTCATCAATCCCAACTTCTACGGC[T>C]ATCAGGACGCCCCCTGGAAGATCTTCCTGCGCAAAGAGGTGCCGAGCACAGCCGTAGCCA-3'
Protein context (NP_057323.3, residues 2674-2694): HRLINPNFYG[Tyr2684His]QDAPWKIFLR

ClinVar aggregate classification (germline): Conflicting classifications of pathogenicity. Review status: criteria provided, conflicting classifications (1 of 4 stars). 8 submissions from 8 submitters: Pathogenic (6); Likely pathogenic (1); Uncertain significance (1). Last evaluated 2026-05-18.

Conditions:
MYO15A-related disorder. Also called: MYO15A-related condition.
Autosomal recessive nonsyndromic hearing loss 3. Also called: NEUROSENSORY NONSYNDROMIC RECESSIVE DEAFNESS 3. Identifiers: Orphanet 90636, MedGen C1838263, MONDO:0010860, OMIM 600316.

Allele frequency attached by ClinVar (database versions not stated): ExAC 0.00005; gnomAD exomes 0.00006; gnomAD 0.00007; TOPMed 0.00007; ESP Exome Variant Server 0.00008.
gnomAD v4.1: 71 of 1,613,490 alleles (0.0044%); highest among the groups gnomAD compares: Admixed American, 0.01%; no homozygotes.

Submissions (8):

PreventionGenetics, part of Exact Sciences
Classification: Pathogenic for MYO15A-related condition. Last evaluated: 2026-05-18. Review status: criteria provided, single submitter. Criteria: ACMG Guidelines, 2015. Collection method: clinical testing. Allele origin: germline.
Comment: The MYO15A c.8050T>C variant is predicted to result in the amino acid substitution p.Tyr2684His. This variant has been reported in the compound heterozygous state in individuals with hearing loss (Cabanillas et al. 2018. PubMed ID: 29986705; Hirsch et al. 2021. PubMed ID: 33398081; Booth et al. 2021. PubMed ID: 34733312; Pavlenkova et al. 2021. PubMed ID: 34795337; Imizcoz et al. 2023. PubMed ID: 37811145). This variant is reported in 0.077% of alleles in individuals of Ashkenazi Jewish descent in gnomAD. This variant is interpreted as pathogenic.

GeneDx
Classification: Likely pathogenic. Last evaluated: 2025-07-15. Review status: criteria provided, single submitter. Criteria: GeneDx Variant Classification Process June 2021. Collection method: clinical testing. Allele origin: germline. Affected: yes.
Comment: In silico analysis supports that this missense variant has a deleterious effect on protein structure/function; This variant is associated with the following publications: (PMID: 26633542, 29986705, 33398081, 34795337, 34733312)

Victorian Clinical Genetics Services, Murdoch Childrens Research Institute
Classification: Pathogenic for Autosomal recessive nonsyndromic hearing loss 3. Last evaluated: 2024-12-13. Review status: criteria provided, single submitter. Criteria: ACMG Guidelines, 2015. Collection method: clinical testing. Allele origin: germline. Affected: yes.
Comment: This variant is classified as Pathogenic. Evidence in support of pathogenic classification: Variant is present in gnomAD <0.01 for a recessive condition (v4: 71 heterozygotes, 0 homozygotes); This variant has strong previous evidence of pathogenicity in unrelated individuals. This variant has been classified as VUS and more recently as likely pathogenic and pathogenic by clinical laboratories in ClinVar. In addition, it has reported in the literature in multiple individuals with hearing loss (PMIDs: 29986705, 37811145, 34733312, 33398081); This variant has strong evidence for segregation with disease. It has been shown to segregate with hearing loss in two families (PMIDs: 34733312, 33398081); Missense variant consistently predicted to be damaging by in silico tool or highly conserved with a major amino acid change. Additional information: Variant is predicted to result in a missense amino acid change from tyrosine to histidine; This variant is heterozygous; This gene is associated with autosomal recessive disease; Multiple alternative amino acid changes at the same position have been observed in gnomAD (v4) (highest allele count: 2 heterozygotes, 0 homozygotes); Loss of function is a known mechanism of disease in this gene and is associated with autosomal recessive deafness 3 (MIM#600316); Inheritance information for this variant is not currently available in this individual.

Women's Health and Genetics/Laboratory Corporation of America, LabCorp
Classification: Pathogenic for Autosomal recessive nonsyndromic hearing loss 3. Last evaluated: 2024-10-23. Review status: criteria provided, single submitter. Criteria: LabCorp Variant Classification Summary - May 2015. Collection method: clinical testing. Allele origin: germline.
Comment: Variant summary: MYO15A c.8050T>C (p.Tyr2684His) results in a conservative amino acid change in the encoded protein sequence. Four of five in-silico tools predict a damaging effect of the variant on protein function. The variant allele was found at a frequency of 6e-05 in 249008 control chromosomes. This frequency is not significantly higher than estimated for a pathogenic variant in MYO15A causing Autosomal Recessive Nonsyndromic Hearing Loss 3, allowing no conclusion about variant significance. c.8050T>C has been reported in the literature in multiple individuals affected with Autosomal Recessive Nonsyndromic Hearing Loss (e.g. Retterer_2016, Cabanillas_2018, Booth_2021, Hirsch_2021, Labcorp (formerly Invitae)). These data indicate that the variant is very likely to be associated with disease. To our knowledge, no experimental evidence demonstrating an impact on protein function has been reported. The following publications have been ascertained in the context of this evaluation (PMID: 34733312, 29986705, 33398081, 26633542). ClinVar contains an entry for this variant (Variation ID: 322166). Based on the evidence outlined above, the variant was classified as pathogenic.

Blueprint Genetics
Classification: Pathogenic for MYO15A-related disorders. Last evaluated: 2024-06-14. Review status: criteria provided, single submitter. Criteria: ACMG Guidelines, 2015. Collection method: clinical testing. Allele origin: germline. Affected: yes. Observed: 5 variant alleles.

Labcorp Genetics (formerly Invitae), Labcorp
Classification: Pathogenic. Last evaluated: 2024-01-28. Review status: criteria provided, single submitter. Criteria: Invitae Variant Classification Sherloc (09022015). Collection method: clinical testing. Allele origin: germline.
Comment: This sequence change replaces tyrosine, which is neutral and polar, with histidine, which is basic and polar, at codon 2684 of the MYO15A protein (p.Tyr2684His). This variant is present in population databases (rs376351191, gnomAD 0.09%). This missense change has been observed in individual(s) with deafness (PMID: 26633542, 29986705; Invitae). In at least one individual the data is consistent with being in trans (on the opposite chromosome) from a pathogenic variant. ClinVar contains an entry for this variant (Variation ID: 322166). Advanced modeling of protein sequence and biophysical properties (such as structural, functional, and spatial information, amino acid conservation, physicochemical variation, residue mobility, and thermodynamic stability) has been performed at Invitae for this missense variant, however the output from this modeling did not meet the statistical confidence thresholds required to predict the impact of this variant on MYO15A protein function. For these reasons, this variant has been classified as Pathogenic.

Laboratory of Prof. Karen Avraham, Tel Aviv University
Classification: Pathogenic for Autosomal recessive nonsyndromic hearing loss 3. Last evaluated: 2020-10-27. Review status: criteria provided, single submitter. Criteria: ACMG Guidelines, 2015. Collection method: research. Allele origin: germline. Affected: yes.
Comment: Recessive, congenital SNHL

Compound heterozygous with NM_016239.4:c.8968-1G>T; compound heterozygous with NM_016239.4:c.9861C>T

Laboratory for Molecular Medicine, Mass General Brigham Personalized Medicine
Classification: Uncertain significance. Last evaluated: 2019-09-13. Review status: criteria provided, single submitter. Criteria: LMM Criteria. Collection method: clinical testing. Allele origin: germline. Observed: 3 variant alleles.
Comment: The p.Tyr2684His variant in MYO15A has been previously reported in at least 3 individuals with hearing loss, one individual was compound heterozygous for a second likely pathogenic MYO15A, and one individual harbored a rare variant of uncertain significance that was confirmed in trans (Cabanillas 2018, Retterer 2015, Santos Serrao de Castro, 2012, LMM unpublished data). The variant has segregated in an affected sibling (Santos Serrao de Castro, 2012). This variant was identified in 0.07% (8/10344) of Ashkenazi Jewish chromosomes by gnomAD. Computational prediction tools and conservation analyses suggest that this variant may impact the protein, though this information is not predictive enough to determine pathogenicity. In summary, the clinical significance of the p.Tyr2684His variant is uncertain. ACMG/AMP criteria applied: PM3, PP1, PP3.

Literature cited by the submitters: PubMed 33398081 (cited by Victorian Clinical Genetics Services, Murdoch Childrens Research Institute and Women's Health and Genetics/Laboratory Corporation of America, LabCorp); PubMed 37811145 (cited by Victorian Clinical Genetics Services, Murdoch Childrens Research Institute); PubMed 29986705 (cited by 5 submitters); PubMed 34733312 (cited by Victorian Clinical Genetics Services, Murdoch Childrens Research Institute and Women's Health and Genetics/Laboratory Corporation of America, LabCorp); PubMed 26633542 (cited by 3 submitters).